The following is an entry in ClinVar:

NM_007194.4(CHEK2):c.697G>T (p.Glu233Ter)

Gene: CHEK2 (checkpoint kinase 2; minus strand). Cytogenetic location: 22q12.1.
Variant type: single nucleotide variant.
Coding change: c.697G>T on transcript NM_007194.4 (MANE Select); coding-DNA position 697, G replaced by T.
Protein change: p.Glu233Ter; replaces glutamic acid 233 with a stop codon.
Molecular consequence: nonsense.
Genome position (GRCh38, 1-based): chr22:28,712,004, C>A on the plus strand (G>T on the coding strand, the complement: CHEK2 is on the minus strand). VCF-style: chr22-28712004-C-A. GRCh37 (hg19) VCF-style: chr22-29107992-C-A.
Other names: c.826G>T, p.Glu276Ter (NM_001005735.3); c.34G>T, p.Glu12Ter (NM_001257387.3); c.496G>T, p.Glu166Ter (NM_001349956.3); c.697G>T, p.Glu233Ter (NM_145862.3); short protein forms E12*, E233*, E276*, E166*.
Identifiers: ClinVar variation 826744 (VCV000826744.10), dbSNP rs753972711, ClinGen allele CA411103471.

ClinVar aggregate classification (germline): Pathogenic/Likely pathogenic. Review status: criteria provided, multiple submitters, no conflicts (2 of 4 stars). 4 submissions from 4 submitters: Pathogenic (3); Likely pathogenic (1). Last evaluated 2025-11-03.

Conditions:
Hereditary cancer-predisposing syndrome. Also called: Neoplastic Syndromes, Hereditary; Tumor predisposition; Hereditary neoplastic syndrome; Hereditary Cancer Syndrome. Identifiers: Orphanet 140162, MedGen C0027672, MeSH D009386, MONDO:0015356.
Familial cancer of breast. Also called: BREAST CANCER, FAMILIAL; Hereditary breast cancer; hereditary breast carcinoma. Identifiers: Orphanet 227535, MedGen C0346153, MONDO:0016419, OMIM 114480. Disease mechanism: loss of function.

Submissions (4):

Labcorp Genetics (formerly Invitae), Labcorp
Classification: Pathogenic for Familial cancer of breast. Last evaluated: 2025-11-03. Review status: criteria provided, single submitter. Criteria: Invitae Variant Classification Sherloc (09022015). Collection method: clinical testing. Allele origin: germline.
Comment: This sequence change creates a premature translational stop signal (p.Glu233*) in the CHEK2 gene. It is expected to result in an absent or disrupted protein product. Loss-of-function variants in CHEK2 are known to be pathogenic (PMID: 21876083, 24713400). This variant is not present in population databases (gnomAD no frequency). This premature translational stop signal has been observed in individual(s) with lobular breast carcinoma in situ (PMID: 31263054). ClinVar contains an entry for this variant (Variation ID: 826744). For these reasons, this variant has been classified as Pathogenic.

Baylor Genetics
Classification: Likely pathogenic for Familial cancer of breast. Last evaluated: 2023-12-05. Review status: criteria provided, single submitter. Criteria: ACMG Guidelines, 2015. Collection method: clinical testing. Allele origin: unknown.

Myriad Genetics, Inc.
Classification: Pathogenic for Familial cancer of breast. Last evaluated: 2023-06-26. Review status: criteria provided, single submitter. Criteria: Myriad Autosomal Dominant, Autosomal Recessive and X-Linked Classification Criteria (2023). Collection method: clinical testing. Allele origin: unknown.
Comment: This variant is considered pathogenic. This variant creates a termination codon and is predicted to result in premature protein truncation.

Ambry Genetics
Classification: Pathogenic for Hereditary cancer-predisposing syndrome. Last evaluated: 2022-09-22. Review status: criteria provided, single submitter. Criteria: Ambry Variant Classification Scheme 2023. Collection method: clinical testing. Allele origin: germline.
Comment: The p.E233* pathogenic mutation (also known as c.697G>T), located in coding exon 5 of the CHEK2 gene, results from a G to T substitution at nucleotide position 697. This changes the amino acid from a glutamic acid to a stop codon within coding exon 5. This alteration is expected to result in loss of function by premature protein truncation or nonsense-mediated mRNA decay. As such, this alteration is interpreted as a disease-causing mutation.

Literature cited by the submitters: PubMed 21876083 (cited by Labcorp Genetics (formerly Invitae), Labcorp); PubMed 24713400 (cited by Labcorp Genetics (formerly Invitae), Labcorp); PubMed 31263054 (cited by Labcorp Genetics (formerly Invitae), Labcorp).